The following is an entry in ClinVar:

ClinVar aggregate classification (germline): Likely benign. Review status: criteria provided, multiple submitters, no conflicts (2 of 4 stars). 2 submissions from 2 submitters: Likely benign (2). Last evaluated 2026-05-01.

Allele frequency attached by ClinVar (database versions not stated): ExAC 0.00007; gnomAD 0.00007; gnomAD exomes 0.00008; TOPMed 0.00008.

Submissions (2):

CeGaT Center for Human Genetics Tuebingen
Classification: Likely benign. Last evaluated: 2026-05-01. Review status: criteria provided, single submitter. Criteria: CeGaT Center For Human Genetics Tuebingen Variant Classification Criteria Version 2. Collection method: clinical testing. Allele origin: germline. Affected: yes. Observed: 1 variant allele.
Comment: MUC5B: BP4

Ambry Genetics
Classification: Likely benign. Last evaluated: 2023-03-31. Review status: criteria provided, single submitter. Criteria: Ambry Variant Classification Scheme 2023. Collection method: clinical testing. Allele origin: germline.

NM_002458.3(MUC5B):c.9448C>T (p.Pro3150Ser)

Genes: MUC5B (mucin 5B, oligomeric mucus/gel-forming; plus strand), MUC5B-AS1 (MUC5B antisense RNA 1; minus strand). Cytogenetic location: 11p15.5.
Variant type: single nucleotide variant.
Coding change: c.9448C>T on transcript NM_002458.3 (MANE Select); coding-DNA position 9448, C replaced by T.
Protein change: p.Pro3150Ser; replaces proline 3150 with serine.
Molecular consequence: missense variant.
Genome position (GRCh38, 1-based): chr11:1,246,328, C>T. VCF-style: chr11-1246328-C-T. GRCh37 (hg19) VCF-style: chr11-1267558-C-T.
Other names: short protein forms P3150S.
Identifiers: ClinVar variation 2520284 (VCV002520284.4), dbSNP rs765066337, ClinGen allele CA5806995.
Genomic context (GRCh38, chr11:1,246,328, plus strand): 5'-GGGACGACCTGGATCCTCACAGAGCTGACCACAGCAGCCACTACAACTGCAGCCACTGGC[C>T]CCACGGCCACCCCGTCCTCCACCCCAGGGACCACCTGGATCCTCACAGAGCCCAGCACTA-3'
Protein context (NP_002449.2, residues 3140-3160): TAATTTAATG[Pro3150Ser]TATPSSTPGT